The following is an entry in ClinVar:

NM_025179.4(PLXNA2):c.123C>G (p.Phe41Leu)

Gene: PLXNA2 (plexin A2; minus strand). Cytogenetic location: 1q32.2.
Variant type: single nucleotide variant.
Coding change: c.123C>G on transcript NM_025179.4 (MANE Select); coding-DNA position 123, C replaced by G.
Protein change: p.Phe41Leu; replaces phenylalanine 41 with leucine.
Molecular consequence: missense variant.
Genome position (GRCh38, 1-based): chr1:208,217,800, G>C on the plus strand (C>G on the coding strand, the complement: PLXNA2 is on the minus strand). VCF-style: chr1-208217800-G-C. GRCh37 (hg19) VCF-style: chr1-208391145-G-C.
Other names: c.123C>G (NM_025179.3); short protein forms F41L.
Identifiers: ClinVar variation 2126779 (VCV002126779.5), dbSNP rs897954523, ClinGen allele CA36726698.

ClinVar aggregate classification (germline): Uncertain significance. Review status: criteria provided, single submitter (1 of 4 stars). 2 submissions from 2 submitters: Uncertain significance (1). 1 of the submissions does not count toward it. Last evaluated 2022-06-27.

Conditions:
PLXNA2-related disorder. Also called: PLXNA2-related condition.

Allele frequency attached by ClinVar (database versions not stated): TOPMed below 0.00001; gnomAD 0.00001; gnomAD exomes 0.00002.

Submissions (2):

Labcorp Genetics (formerly Invitae), Labcorp
Classification: Uncertain significance. Last evaluated: 2022-06-27. Review status: criteria provided, single submitter. Criteria: Invitae Variant Classification Sherloc (09022015). Collection method: clinical testing. Allele origin: germline.
Comment: In summary, the available evidence is currently insufficient to determine the role of this variant in disease. Therefore, it has been classified as a Variant of Uncertain Significance. This sequence change replaces phenylalanine, which is neutral and non-polar, with leucine, which is neutral and non-polar, at codon 41 of the PLXNA2 protein (p.Phe41Leu). This variant is not present in population databases (gnomAD no frequency). This variant has not been reported in the literature in individuals affected with PLXNA2-related conditions. Algorithms developed to predict the effect of missense changes on protein structure and function are either unavailable or do not agree on the potential impact of this missense change (SIFT: "Tolerated"; PolyPhen-2: "Possibly Damaging"; Align-GVGD: "Class C0").

PreventionGenetics, part of Exact Sciences
Classification: Uncertain significance for PLXNA2-related condition. Last evaluated: 2024-02-21. Review status: no assertion criteria provided. Collection method: clinical testing. Allele origin: germline. Not counted in ClinVar's aggregate classification.
Comment: The PLXNA2 c.123C>G variant is predicted to result in the amino acid substitution p.Phe41Leu. To our knowledge, this variant has not been reported in the literature or in a large population database, indicating this variant is rare. At this time, the clinical significance of this variant is uncertain due to the absence of conclusive functional and genetic evidence.